The following is an entry in ClinVar:

NM_000329.3(RPE65):c.1366G>C (p.Glu456Gln)

Gene: RPE65 (retinoid isomerohydrolase RPE65; minus strand). Cytogenetic location: 1p31.3.
Variant type: single nucleotide variant.
Coding change: c.1366G>C on transcript NM_000329.3 (MANE Select); coding-DNA position 1366, G replaced by C.
Protein change: p.Glu456Gln; replaces glutamic acid 456 with glutamine.
Molecular consequence: missense variant.
Genome position (GRCh38, 1-based): chr1:68,431,149, C>G on the plus strand (G>C on the coding strand, the complement: RPE65 is on the minus strand). VCF-style: chr1-68431149-C-G. GRCh37 (hg19) VCF-style: chr1-68896832-C-G.
Other names: short protein forms E456Q.
Identifiers: ClinVar variation 1517547 (VCV001517547.5), dbSNP rs755805126, ClinGen allele CA902188.
Genomic context (GRCh38, chr1:68,431,149, plus strand): 5'-GGTGAGAAACAAAGATGGGTTCTGATGGGTATGAATCAGGCTCTTGCCAAACCCAAGTTT[C>G]TTTAGTTTTGACATTCAGCTTACAGAGCTGTTTGTGAGAAAGAAAAATCAATCAAGCAAT-3'
Protein context (NP_000320.1, residues 446-466): RLCKLNVKTK[Glu456Gln]TWVWQEPDSY

ClinVar aggregate classification (germline): Uncertain significance (1 of 4 stars; one submission).

Conditions:
Leber congenital amaurosis 2 (LCA2). Also called: Autosomal Recessive RPE65-Related Retinal Degeneration; AMAUROSIS CONGENITA OF LEBER II. Identifiers: Orphanet 65, MedGen C1859844, MONDO:0008765, OMIM 204100. Disease mechanism: loss of function.
Retinitis pigmentosa 20 (RP20). Identifiers: Orphanet 791, MedGen C3151086, MONDO:0013425, OMIM 613794.

Allele frequency attached by ClinVar (database versions not stated): gnomAD exomes 0.00001 and 0.00002; TOPMed 0.00001; gnomAD 0.00003; ExAC 0.00004.
gnomAD v4.1: 16 of 1,613,636 alleles (0.00099%); highest among the groups gnomAD compares: Non-Finnish European, 0.001%; no homozygotes.

Submission:

Labcorp Genetics (formerly Invitae), Labcorp
Classification: Uncertain significance for Leber congenital amaurosis 2; Retinitis pigmentosa 20. Last evaluated: 2021-08-31. Review status: criteria provided, single submitter. Criteria: Invitae Variant Classification Sherloc (09022015). Collection method: clinical testing. Allele origin: germline.
Comment: This sequence change replaces glutamic acid with glutamine at codon 456 of the RPE65 protein (p.Glu456Gln). The glutamic acid residue is highly conserved and there is a small physicochemical difference between glutamic acid and glutamine. This variant is present in population databases (rs755805126, ExAC 0.006%). This variant has not been reported in the literature in individuals affected with RPE65-related conditions. Algorithms developed to predict the effect of missense changes on protein structure and function are either unavailable or do not agree on the potential impact of this missense change (SIFT: "Deleterious"; PolyPhen-2: "Possibly Damaging"; Align-GVGD: "Class C0"). In summary, the available evidence is currently insufficient to determine the role of this variant in disease. Therefore, it has been classified as a Variant of Uncertain Significance.